The following is an entry in ClinVar:

NM_000428.3(LTBP2):c.2596G>A (p.Asp866Asn)

Gene: LTBP2 (latent transforming growth factor beta binding protein 2; minus strand). Cytogenetic location: 14q24.3.
Variant type: single nucleotide variant.
Coding change: c.2596G>A on transcript NM_000428.3 (MANE Select); coding-DNA position 2596, G replaced by A.
Protein change: p.Asp866Asn; replaces aspartic acid 866 with asparagine.
Molecular consequence: missense variant.
Genome position (GRCh38, 1-based): chr14:74,522,853, C>T on the plus strand (G>A on the coding strand, the complement: LTBP2 is on the minus strand). VCF-style: chr14-74522853-C-T. GRCh37 (hg19) VCF-style: chr14-74989556-C-T.
Other names: short protein forms D866N.
Identifiers: ClinVar variation 1900525 (VCV001900525.4), dbSNP rs148126707, ClinGen allele CA7269448.

ClinVar aggregate classification (germline): Uncertain significance. Review status: criteria provided, multiple submitters, no conflicts (2 of 4 stars). 2 submissions from 2 submitters: Uncertain significance (2). Last evaluated 2025-08-07.

Conditions:
Inborn genetic diseases. Identifiers: MedGen C0950123, MeSH D030342.

Allele frequency attached by ClinVar (database versions not stated): ExAC 0.00002; ESP Exome Variant Server 0.00008.
gnomAD v4.1: 35 of 1,612,634 alleles (0.0022%); highest among the groups gnomAD compares: Middle Eastern, 0.016%; no homozygotes.

Submissions (2):

Ambry Genetics
Classification: Uncertain significance for Inborn genetic diseases. Last evaluated: 2025-08-07. Review status: criteria provided, single submitter. Criteria: Ambry Variant Classification Scheme 2023. Collection method: clinical testing. Allele origin: germline.

Labcorp Genetics (formerly Invitae), Labcorp
Classification: Uncertain significance. Last evaluated: 2021-09-17. Review status: criteria provided, single submitter. Criteria: Invitae Variant Classification Sherloc (09022015). Collection method: clinical testing. Allele origin: germline.
Comment: This sequence change replaces aspartic acid with asparagine at codon 866 of the LTBP2 protein (p.Asp866Asn). The aspartic acid residue is highly conserved and there is a small physicochemical difference between aspartic acid and asparagine. This variant is present in population databases (rs148126707, ExAC 0.007%). This variant has not been reported in the literature in individuals affected with LTBP2-related conditions. Algorithms developed to predict the effect of missense changes on protein structure and function output the following: SIFT: "Tolerated"; PolyPhen-2: "Benign"; Align-GVGD: "Class C0". The asparagine amino acid residue is found in multiple mammalian species, which suggests that this missense change does not adversely affect protein function. In summary, the available evidence is currently insufficient to determine the role of this variant in disease. Therefore, it has been classified as a Variant of Uncertain Significance.